The following is an entry in ClinVar:

ClinVar aggregate classification (germline): Likely benign (1 of 4 stars; one submission).

Allele frequency attached by ClinVar (database versions not stated): gnomAD 0.00008; 1000 Genomes Project 0.00759.

Submission:

CeGaT Center for Human Genetics Tuebingen
Classification: Likely benign. Last evaluated: 2023-04-01. Review status: criteria provided, single submitter. Criteria: CeGaT Center For Human Genetics Tuebingen Variant Classification Criteria Version 2. Collection method: clinical testing. Allele origin: germline. Affected: yes. Observed: 1 variant allele.
Comment: TBP: BP4, BP7

NM_003194.5(TBP):c.273G>A (p.Gln91=)

Genes: TBP (TATA-box binding protein; plus strand), LOC108663996 (TATA-box binding protein repeat instability region; plus strand). Cytogenetic location: 6q27.
Variant type: single nucleotide variant.
Coding change: c.273G>A on transcript NM_003194.5 (MANE Select); coding-DNA position 273, G replaced by A.
Protein change: p.Gln91=; no amino-acid change (glutamine 91 retained).
Molecular consequence: synonymous variant.
Genome position (GRCh38, 1-based): chr6:170,562,009, G>A. VCF-style: chr6-170562009-G-A. GRCh37 (hg19) VCF-style: chr6-170871097-G-A.
Other names: c.213G>A, p.Gln71= (NM_001172085.2).
Identifiers: ClinVar variation 2657163 (VCV002657163.24), dbSNP rs200496051, ClinGen allele CA152224101.